The following is an entry in ClinVar:

NM_016239.4(MYO15A):c.1432C>T (p.Arg478Cys)

Gene: MYO15A (myosin XVA; plus strand). Cytogenetic location: 17p11.2.
Variant type: single nucleotide variant.
Coding change: c.1432C>T on transcript NM_016239.4 (MANE Select); coding-DNA position 1432, C replaced by T.
Protein change: p.Arg478Cys; replaces arginine 478 with cysteine.
Molecular consequence: missense variant.
Genome position (GRCh38, 1-based): chr17:18,120,232, C>T. VCF-style: chr17-18120232-C-T. GRCh37 (hg19) VCF-style: chr17-18023546-C-T.
Other names: short protein forms R478C.
Identifiers: ClinVar variation 3045510 (VCV003045510.2), dbSNP rs746585333, ClinGen allele CA8423101.

ClinVar aggregate classification (germline): Uncertain significance (0 of 4 stars; one submission).

Conditions:
MYO15A-related disorder. Also called: MYO15A-related condition.

Allele frequency attached by ClinVar (database versions not stated): gnomAD 0.00001; gnomAD exomes 0.00001; ExAC 0.00002; TOPMed 0.00002.
gnomAD v4.1: 13 of 1,612,368 alleles (0.00081%); highest among the groups gnomAD compares: Non-Finnish European, 0.00059%; no homozygotes.

Submission:

PreventionGenetics, part of Exact Sciences
Classification: Uncertain significance for MYO15A-related condition. Last evaluated: 2024-01-03. Review status: no assertion criteria provided. Collection method: clinical testing. Allele origin: germline.
Comment: The MYO15A c.1432C>T variant is predicted to result in the amino acid substitution p.Arg478Cys. To our knowledge, this variant has not been reported in the literature. This variant is reported in 0.0040% of alleles in individuals of European (Finnish) descent in gnomAD. At this time, the clinical significance of this variant is uncertain due to the absence of conclusive functional and genetic evidence.